The following is an entry in ClinVar:

NM_007332.3(TRPA1):c.1195-8del

Genes: MSC-AS1 (MSC antisense RNA 1; plus strand), TRPA1 (transient receptor potential cation channel subfamily A member 1; minus strand). Cytogenetic location: 8q21.11.
Variant type: Deletion.
Coding change: c.1195-8del on transcript NM_007332.3 (MANE Select); 8 bases into the intron before coding-DNA position 1195, one base deleted (T; older notation c.1195-8delT).
Molecular consequence: intron variant. On other transcripts: non-coding transcript variant (2).
Genome position (GRCh38, 1-based): chr8:72,055,863, A deleted on the plus strand (T on the coding strand, the reverse complement: TRPA1 is on the minus strand); the first of 6 consecutive A bases (chr8:72,055,863-72,055,868); deleting any one gives the same sequence. VCF-style (leftmost placement, unchanged base first): chr8-72055862-GA-G. GRCh37 (hg19) VCF-style: chr8-72968097-GA-G.
Identifiers: ClinVar variation 3059579 (VCV003059579.2), dbSNP rs33967604, ClinGen allele CA4780968.

ClinVar aggregate classification (germline): Benign (0 of 4 stars; one submission).

Conditions:
TRPA1-related disorder. Also called: TRPA1-related condition.

Submission:

PreventionGenetics, part of Exact Sciences
Classification: Benign for TRPA1-related condition. Last evaluated: 2019-11-19. Review status: no assertion criteria provided. Collection method: clinical testing. Allele origin: germline.
Comment: This variant is classified as benign based on ACMG/AMP sequence variant interpretation guidelines (Richards et al. 2015 PMID: 25741868, with internal and published modifications).